The following is an entry in ClinVar:

NM_004614.5(TK2):c.760C>T (p.Arg254Ter)

Gene: TK2 (thymidine kinase 2; minus strand). Cytogenetic location: 16q21.
Variant type: single nucleotide variant.
Coding change: c.760C>T on transcript NM_004614.5 (MANE Select); coding-DNA position 760, C replaced by T.
Protein change: p.Arg254Ter; replaces arginine 254 with a stop codon.
Molecular consequence: nonsense. On other transcripts: 3 prime UTR variant (1), non-coding transcript variant (1).
Genome position (GRCh38, 1-based): chr16:66,512,006, G>A on the plus strand (C>T on the coding strand, the complement: TK2 is on the minus strand). VCF-style: chr16-66512006-G-A. GRCh37 (hg19) VCF-style: chr16-66545909-G-A.
Other names: c.667C>T, p.Arg223Ter (NM_001172643.1); c.685C>T, p.Arg229Ter (NM_001172644.2); c.706C>T, p.Arg236Ter (NM_001172645.2); c.613C>T, p.Arg205Ter (NM_001271934.2); c.*57C>T (NM_001271935.1); c.469C>T, p.Arg157Ter (NM_001272050.2); short protein forms R254*, R157*, R205*, R229*, R236*, R223*.
Identifiers: ClinVar variation 38997 (VCV000038997.14), dbSNP rs281865498, ClinGen allele CA343320.

ClinVar aggregate classification (germline): Likely pathogenic. Review status: criteria provided, multiple submitters, no conflicts (2 of 4 stars). 3 submissions from 3 submitters: Likely pathogenic (3). Last evaluated 2026-09-01.

Conditions:
Mitochondrial disease. Also called: Mitochondrial disorder; Mitochondrial disorders. Identifiers: Orphanet 68380, MedGen C0751651, MeSH D028361, MONDO:0044970.

Allele frequency attached by ClinVar (database versions not stated): gnomAD exomes below 0.00001; ExAC 0.00001; ESP Exome Variant Server 0.00008.
gnomAD v4.1: 3 of 1,614,134 alleles (0.00019%); highest among the groups gnomAD compares: Non-Finnish European, 0.00025%; no homozygotes.

Submissions (3):

CeGaT Center for Human Genetics Tuebingen
Classification: Likely pathogenic. Last evaluated: 2026-09-01. Review status: criteria provided, single submitter. Criteria: CeGaT Center For Human Genetics Tuebingen Variant Classification Criteria Version 2. Collection method: clinical testing. Allele origin: germline. Affected: yes. Observed: 1 variant allele.
Comment: TK2: PVS1:Strong, PM2, PM3

Labcorp Genetics (formerly Invitae), Labcorp
Classification: Likely pathogenic. Last evaluated: 2025-12-17. Review status: criteria provided, single submitter. Criteria: Invitae Variant Classification Sherloc (09022015). Collection method: clinical testing. Allele origin: germline.
Comment: This sequence change creates a premature translational stop signal (p.Arg254*) in the TK2 gene. While this is not anticipated to result in nonsense mediated decay, it is expected to disrupt the last 12 amino acid(s) of the TK2 protein. This variant is present in population databases (rs281865498, gnomAD 0.007%). This premature translational stop signal has been observed in individual(s) with clinical features of mitochondrial DNA depletion syndrome (PMID: 12655576, 38544965). In at least one individual the data is consistent with being in trans (on the opposite chromosome) from a pathogenic variant. ClinVar contains an entry for this variant (Variation ID: 38997). Algorithms developed to predict the effect of sequence changes on RNA splicing suggest that this variant may disrupt the consensus splice site. In summary, the currently available evidence indicates that the variant is pathogenic, but additional data are needed to prove that conclusively. Therefore, this variant has been classified as Likely Pathogenic.

Genomenon, Inc
Classification: Likely pathogenic for Mitochondrial disease. Last evaluated: 2025-11-24. Review status: criteria provided, single submitter. Criteria: Genomenon Sequence Variant Interpretation Standards - Updated. Collection method: curation. Allele origin: germline. Affected: yes.
Comment: TK2 p.Arg254Ter (c.760C>T) is a nonsense variant that introduces a premature stop codon at amino acid position 254, creating a truncated protein. It is also described as R296X in the literature. This variant has been observed in multiple probands affected with mitochondrial disease in both the homozygous and compound heterozygous state, with a pathogenic or likely pathogenic variant confirmed in trans in one proband (38544965, 12655576). This variant is not present at a significant frequency in gnomAD. In conclusion, we classify TK2 p.Arg254Ter (c.760C>T) as a likely pathogenic variant.

Literature cited by the submitters: PubMed 12655576 (cited by Labcorp Genetics (formerly Invitae), Labcorp and Genomenon, Inc); PubMed 38544965 (cited by Labcorp Genetics (formerly Invitae), Labcorp and Genomenon, Inc).